The following is an entry in ClinVar:

ClinVar aggregate classification (germline): Pathogenic (1 of 4 stars; one submission).

Conditions:
Duchenne muscular dystrophy (DMD). Also called: MUSCULAR DYSTROPHY, PSEUDOHYPERTROPHIC PROGRESSIVE, DUCHENNE TYPE; Duchenne Muscular Dystrophy (DMD). Identifiers: Orphanet 98896, MedGen C0013264, MONDO:0010679, OMIM 310200.

Submission:

Labcorp Genetics (formerly Invitae), Labcorp
Classification: Pathogenic for Duchenne muscular dystrophy. Last evaluated: 2023-09-06. Review status: criteria provided, single submitter. Criteria: Invitae Variant Classification Sherloc (09022015). Collection method: clinical testing. Allele origin: germline.
Comment: This variant is a gross deletion of the genomic region encompassing exon(s) 4 of the DMD gene. This variant would be expected to be in-frame, preserving the integrity of the reading frame. A similar copy number variant has been observed in individuals with Duchenne or Becker muscular dystrophy (PMID: 15528988, 21515508, 31705731). For these reasons, this variant has been classified as Pathogenic.

Literature cited by the submitters: PubMed 15528988; PubMed 21515508; PubMed 31705731.

NC_000023.10:g.(?_32862880)_(32862997_?)del

Gene: DMD (dystrophin; minus strand). Cytogenetic location: Xp21.1.
Variant type: Deletion.
Identifiers: ClinVar variation 1365066 (VCV001365066.6).